The following is an entry in ClinVar:

ClinVar aggregate classification (germline): Likely pathogenic (1 of 4 stars; one submission).

Submission:

CeGaT Center for Human Genetics Tuebingen
Classification: Likely pathogenic. Last evaluated: 2026-08-01. Review status: criteria provided, single submitter. Criteria: CeGaT Center For Human Genetics Tuebingen Variant Classification Criteria Version 2. Collection method: clinical testing. Allele origin: germline. Affected: yes. Observed: 1 variant allele.
Comment: COL4A5: PM1:Strong, PM2, PS4:Supporting

NM_033380.3(COL4A5):c.1388G>T (p.Gly463Val)

Gene: COL4A5 (collagen type IV alpha 5 chain; plus strand). Cytogenetic location: Xq22.3.
Variant type: single nucleotide variant.
Coding change: c.1388G>T on transcript NM_033380.3 (MANE Select); coding-DNA position 1388, G replaced by T.
Protein change: p.Gly463Val; replaces glycine 463 with valine.
Molecular consequence: missense variant.
Genome position (GRCh38, 1-based): chrX:108,591,609, G>T. VCF-style: chrX-108591609-G-T. GRCh37 (hg19) VCF-style: chrX-107834839-G-T.
Other names: c.1388G>T, p.Gly463Val (NM_000495.5); short protein forms G463V.
Identifiers: ClinVar variation 5039727 (VCV005039727.1).